The following is an entry in ClinVar:

NM_003119.4(SPG7):c.483C>T (p.Ser161=)

Gene: SPG7 (SPG7 matrix AAA peptidase subunit, paraplegin; plus strand). Cytogenetic location: 16q24.3.
Variant type: single nucleotide variant.
Coding change: c.483C>T on transcript NM_003119.4 (MANE Select); coding-DNA position 483, C replaced by T.
Protein change: p.Ser161=; no amino-acid change (serine 161 retained).
Molecular consequence: synonymous variant.
Genome position (GRCh38, 1-based): chr16:89,524,112, C>T. VCF-style: chr16-89524112-C-T. GRCh37 (hg19) VCF-style: chr16-89590520-C-T.
Other names: c.483C>T, p.Ser161= (NM_001363850.1, NM_199367.3).
Identifiers: ClinVar variation 515767 (VCV000515767.9), dbSNP rs144509309, ClinGen allele CA8243654.
Genomic context (GRCh38, chr16:89,524,112, plus strand): 5'-GCTGCGCACCTTGCTGGTCATCGCGGTTGTCATGAGCCTCCTGAATGCTCTCAGCACCAG[C>T]GGAGGCAGCATTTCCTGGAACGACTTTGTCCACGAGATGCTGGCCAAGGGCGAGGTGCAG-3'
Protein context (NP_003110.1, residues 151-171): VMSLLNALST[Ser161=]GGSISWNDFV

ClinVar aggregate classification (germline): Likely benign. Review status: criteria provided, multiple submitters, no conflicts (2 of 4 stars). 2 submissions from 2 submitters: Likely benign (2). Last evaluated 2025-09-30.

Conditions:
Hereditary spastic paraplegia 7 (SPG7). Also called: SPASTIC PARAPLEGIA 7, AUTOSOMAL RECESSIVE, WITH OR WITHOUT CEREBELLAR ATAXIA; Spastic paraplegia 7; Hereditary spastic paraplegia Paraplegin type; Autosomal recessive spastic paraplegia type 7; SPG7-related neurologic disorder. Identifiers: Orphanet 99013, MedGen C1846564, MONDO:0011803, OMIM 607259.

Allele frequency attached by ClinVar (database versions not stated): ExAC 0.00002; gnomAD exomes 0.00003 and 0.00016; TOPMed 0.00005; gnomAD 0.00007 and 0.00009; ESP Exome Variant Server 0.00015.

Submissions (2):

Labcorp Genetics (formerly Invitae), Labcorp
Classification: Likely benign for Hereditary spastic paraplegia 7. Last evaluated: 2025-09-30. Review status: criteria provided, single submitter. Criteria: Invitae Variant Classification Sherloc (09022015). Collection method: clinical testing. Allele origin: germline.

GeneDx
Classification: Likely benign. Last evaluated: 2018-03-08. Review status: criteria provided, single submitter. Criteria: GeneDx Variant Classification (06012015). Collection method: clinical testing. Allele origin: germline. Affected: yes.
Comment: This variant is considered likely benign or benign based on one or more of the following criteria: it is a conservative change, it occurs at a poorly conserved position in the protein, it is predicted to be benign by multiple in silico algorithms, and/or has population frequency not consistent with disease.